The following is an entry in ClinVar:

NM_030632.3(ASXL3):c.5857A>G (p.Lys1953Glu)

Gene: ASXL3 (ASXL transcriptional regulator 3; plus strand). Cytogenetic location: 18q12.1.
Variant type: single nucleotide variant.
Coding change: c.5857A>G on transcript NM_030632.3 (MANE Select); coding-DNA position 5857, A replaced by G.
Protein change: p.Lys1953Glu; replaces lysine 1953 with glutamic acid.
Molecular consequence: missense variant.
Genome position (GRCh38, 1-based): chr18:33,745,705, A>G. VCF-style: chr18-33745705-A-G. GRCh37 (hg19) VCF-style: chr18-31325669-A-G.
Other names: short protein forms K1953E.
Identifiers: ClinVar variation 4084721 (VCV004084721.8).

ClinVar aggregate classification (germline): Likely benign (1 of 4 stars; one submission).

gnomAD v4.1: 7 of 1,613,998 alleles (0.00043%); highest among the groups gnomAD compares: Admixed American, 0.0017%; no homozygotes.

Submission:

CeGaT Center for Human Genetics Tuebingen
Classification: Likely benign. Last evaluated: 2025-06-01. Review status: criteria provided, single submitter. Criteria: CeGaT Center For Human Genetics Tuebingen Variant Classification Criteria Version 2. Collection method: clinical testing. Allele origin: germline. Affected: yes. Observed: 1 variant allele.
Comment: ASXL3: BP4, BS1